The following is an entry in ClinVar:

NM_000264.5(PTCH1):c.2106A>C (p.Pro702=)

Genes: PTCH1 (patched 1; minus strand), LOC100507346 (uncharacterized LOC100507346; plus strand). Cytogenetic location: 9q22.32.
Variant type: single nucleotide variant.
Coding change: c.2106A>C on transcript NM_000264.5 (MANE Select); coding-DNA position 2106, A replaced by C.
Protein change: p.Pro702=; no amino-acid change (proline 702 retained).
Molecular consequence: synonymous variant. On other transcripts: non-coding transcript variant (2).
Genome position (GRCh38, 1-based): chr9:95,468,895, T>G on the plus strand (A>C on the coding strand, the complement: PTCH1 is on the minus strand). VCF-style: chr9-95468895-T-G. GRCh37 (hg19) VCF-style: chr9-98231177-T-G.
Other names: c.1908A>C, p.Pro636= (NM_001083602.3); c.2103A>C, p.Pro701= (NM_001083603.3); c.1653A>C, p.Pro551= (NM_001083604.3, NM_001083605.3, NM_001083606.3 and 1 more transcripts); c.1950A>C, p.Pro650= (NM_001354918.2).
Identifiers: ClinVar variation 4085727 (VCV004085727.8).

ClinVar aggregate classification (germline): Likely benign (1 of 4 stars; one submission).

gnomAD v4.1: 1 of 1,614,062 alleles (0.000062%); highest among the groups gnomAD compares: Non-Finnish European, 0.000085%; no homozygotes.

Submission:

CeGaT Center for Human Genetics Tuebingen
Classification: Likely benign. Last evaluated: 2025-08-01. Review status: criteria provided, single submitter. Criteria: CeGaT Center For Human Genetics Tuebingen Variant Classification Criteria Version 2. Collection method: clinical testing. Allele origin: germline. Affected: yes. Observed: 1 variant allele.
Comment: PTCH1: BP4, BP7